The following is an entry in ClinVar:

ClinVar aggregate classification (germline): Likely benign. Review status: criteria provided, multiple submitters, no conflicts (2 of 4 stars). 3 submissions from 3 submitters: Likely benign (3). Last evaluated 2025-12-21.

Conditions:
Colorectal cancer, susceptibility to, 12 (CRCS12). Also called: COLORECTAL CANCER, SUSCEPTIBILITY TO, ON CHROMOSOME 12q24. Identifiers: Orphanet 220460, MedGen C3554460, MONDO:0014038, OMIM 615083.

gnomAD v4.1: 2 of 1,612,480 alleles (0.00012%); highest among the groups gnomAD compares: Admixed American, 0.0033%; no homozygotes.

Submissions (3):

Labcorp Genetics (formerly Invitae), Labcorp
Classification: Likely benign. Last evaluated: 2025-12-21. Review status: criteria provided, single submitter. Criteria: Invitae Variant Classification Sherloc (09022015). Collection method: clinical testing. Allele origin: germline.

Myriad Genetics, Inc.
Classification: Likely benign for Colorectal cancer, susceptibility to, 12. Last evaluated: 2025-02-10. Review status: criteria provided, single submitter. Criteria: Myriad Autosomal Dominant, Autosomal Recessive and X-Linked Classification Criteria (2023). Collection method: clinical testing. Allele origin: unknown.
Comment: This variant is considered likely benign. This variant is intronic and is not expected to impact mRNA splicing.

PreventionGenetics, part of Exact Sciences
Classification: Likely benign. Last evaluated: 2017-03-07. Review status: criteria provided, single submitter. Criteria: ACMG Guidelines, 2015. Collection method: clinical testing. Allele origin: germline.

NM_006231.4(POLE):c.1106+9G>A

Gene: POLE (DNA polymerase epsilon, catalytic subunit; minus strand). Cytogenetic location: 12q24.33.
Variant type: single nucleotide variant.
Coding change: c.1106+9G>A on transcript NM_006231.4 (MANE Select); 9 bases into the intron after coding-DNA position 1106, G replaced by A.
Molecular consequence: intron variant.
Genome position (GRCh38, 1-based): chr12:132,675,726, C>T on the plus strand (G>A on the coding strand, the complement: POLE is on the minus strand). VCF-style: chr12-132675726-C-T. GRCh37 (hg19) VCF-style: chr12-133252312-C-T.
Identifiers: ClinVar variation 560838 (VCV000560838.13), dbSNP rs746392495, ClinGen allele CA6894089.
Genomic context (GRCh38, chr12:132,675,726, plus strand): 5'-CCCCTGCACCACGCAACGCCCTCCCTCTCAAATGCTGCCCAGTTACTCATAGAGAAGACA[C>T]AGACTCACCAGTCAAAAAAGTCCCCGTTGTAGGTGACCATGATGGTGGGTTTGGTCTCCT-3'